The following is an entry in ClinVar:

ClinVar aggregate classification (germline): Likely benign (1 of 4 stars; one submission).

Allele frequency attached by ClinVar (database versions not stated): gnomAD exomes below 0.00001; TOPMed below 0.00001; gnomAD 0.00001; ExAC 0.00002; 1000 Genomes Project 0.00040.
gnomAD v4.1: 5 of 1,607,922 alleles (0.00031%); highest among the groups gnomAD compares: South Asian, 0.0055%; no homozygotes.

Submission:

GeneDx
Classification: Likely benign. Last evaluated: 2017-08-23. Review status: criteria provided, single submitter. Criteria: GeneDx Variant Classification (06012015). Collection method: clinical testing. Allele origin: germline. Affected: yes.
Comment: This variant is considered likely benign or benign based on one or more of the following criteria: it is a conservative change, it occurs at a poorly conserved position in the protein, it is predicted to be benign by multiple in silico algorithms, and/or has population frequency not consistent with disease.

NM_002474.3(MYH11):c.3651+7C>G

Gene: MYH11 (myosin heavy chain 11; minus strand). Cytogenetic location: 16p13.11.
Variant type: single nucleotide variant.
Coding change: c.3651+7C>G on transcript NM_002474.3 (MANE Select); 7 bases into the intron after coding-DNA position 3651, C replaced by G.
Molecular consequence: intron variant.
Genome position (GRCh38, 1-based): chr16:15,732,557, G>C on the plus strand (C>G on the coding strand, the complement: MYH11 is on the minus strand). VCF-style: chr16-15732557-G-C. GRCh37 (hg19) VCF-style: chr16-15826414-G-C.
Other names: c.3651+7C>G (NM_022844.3); c.3672+7C>G (NM_001040114.2, NM_001040113.2).
Identifiers: ClinVar variation 506503 (VCV000506503.1), dbSNP rs551160736, ClinGen allele CA7921943.